The following is an entry in ClinVar:

ClinVar aggregate classification (germline): Uncertain significance (1 of 4 stars; one submission).

Conditions:
VPS13B-related disorder. Also called: VPS13B-related condition.

Submission:

PreventionGenetics, part of Exact Sciences
Classification: Uncertain significance for VPS13B-related condition. Last evaluated: 2025-06-16. Review status: criteria provided, single submitter. Criteria: ACMG Guidelines, 2015. Collection method: clinical testing. Allele origin: germline.
Comment: The VPS13B c.205G>C variant is predicted to result in the amino acid substitution p.Val69Leu. To our knowledge, this variant has not been reported in the literature or in a large population database (gnomAD), indicating this variant is rare. At this time, the clinical significance of this variant is uncertain due to the absence of conclusive functional and genetic evidence.

NM_152564.5(VPS13B):c.205G>C (p.Val69Leu)

Gene: VPS13B (vacuolar protein sorting 13 homolog B; plus strand). Cytogenetic location: 8q22.2.
Variant type: single nucleotide variant.
Coding change: c.205G>C on transcript NM_152564.5 (MANE Select); coding-DNA position 205, G replaced by C.
Protein change: p.Val69Leu; replaces valine 69 with leucine.
Molecular consequence: missense variant. On other transcripts: non-coding transcript variant (1).
Genome position (GRCh38, 1-based): chr8:99,038,480, G>C. VCF-style: chr8-99038480-G-C. GRCh37 (hg19) VCF-style: chr8-100050708-G-C.
Other names: c.205G>C, p.Val69Leu (NM_015243.3, NM_017890.5, NM_181661.3); short protein forms V69L.
Identifiers: ClinVar variation 5002004 (VCV005002004.1).